The following is an entry in ClinVar:

ClinVar aggregate classification (germline): Conflicting classifications of pathogenicity. Review status: criteria provided, conflicting classifications (1 of 4 stars). 7 submissions from 7 submitters: Uncertain significance (1); Benign (3); Likely benign (1). 2 of the submissions do not count toward it. Last evaluated 2026-02-04.

Conditions:
Retinitis pigmentosa 25 (RP25). Identifiers: Orphanet 791, MedGen C1864446, MONDO:0011272, OMIM 602772.
Retinitis pigmentosa (RP). Identifiers: Orphanet 791, MedGen C0035334, MeSH D012174, MONDO:0019200, OMIM 268000. Inheritance: Autosomal dominant, autosomal recessive and X linked inheritance.

Allele frequency attached by ClinVar (database versions not stated): 1000 Genomes Project 30x 0.00531; 1000 Genomes Project 0.00539; gnomAD 0.01208 and 0.01261; TOPMed 0.01307.

Submissions (7):

Labcorp Genetics (formerly Invitae), Labcorp
Classification: Benign. Last evaluated: 2026-02-04. Review status: criteria provided, single submitter. Criteria: Invitae Variant Classification Sherloc (09022015). Collection method: clinical testing. Allele origin: germline.

CeGaT Center for Human Genetics Tuebingen
Classification: Benign. Last evaluated: 2025-09-01. Review status: criteria provided, single submitter. Criteria: CeGaT Center For Human Genetics Tuebingen Variant Classification Criteria Version 2. Collection method: clinical testing. Allele origin: germline. Affected: yes. Observed: 8 variant alleles.
Comment: EYS: BS1, BS2

Blueprint Genetics
Classification: Likely benign. Last evaluated: 2024-11-26. Review status: criteria provided, single submitter. Criteria: ACMG Guidelines, 2015. Collection method: clinical testing. Allele origin: germline.

GeneDx
Classification: Benign. Last evaluated: 2019-01-16. Review status: criteria provided, single submitter. Criteria: GeneDx Variant Classification Process June 2021. Collection method: clinical testing. Allele origin: germline. Affected: yes.
Comment: This variant is associated with the following publications: (PMID: 33576794, 25366773)

Illumina Laboratory Services, Illumina
Classification: Uncertain significance for Retinitis pigmentosa. Last evaluated: 2018-01-13. Review status: criteria provided, single submitter. Criteria: ICSL Variant Classification Criteria 13 December 2019. Collection method: clinical testing. Allele origin: germline.

Natera, Inc.
Classification: Benign for Retinitis pigmentosa type 25. Last evaluated: 2020-06-22. Review status: no assertion criteria provided. Collection method: clinical testing. Allele origin: germline. Not counted in ClinVar's aggregate classification.

Counsyl
Classification: Likely benign for Retinitis pigmentosa 25. Last evaluated: 2017-03-06. Review status: no assertion criteria provided. Collection method: clinical testing. Allele origin: unknown. Not counted in ClinVar's aggregate classification.

Literature cited by the submitters: PubMed 25366773 (cited by Counsyl); PubMed 22164218 (cited by Counsyl).

NM_001142800.2(EYS):c.-459C>T

Gene: EYS (EGF-like photoreceptor maintenance factor; minus strand). Cytogenetic location: 6q12.
Variant type: single nucleotide variant.
Coding change: c.-459C>T on transcript NM_001142800.2 (MANE Select); 459 bases upstream of the start codon, C replaced by T.
Molecular consequence: 5 prime UTR variant.
Genome position (GRCh38, 1-based): chr6:65,707,146, G>A on the plus strand (C>T on the coding strand, the complement: EYS is on the minus strand). VCF-style: chr6-65707146-G-A. GRCh37 (hg19) VCF-style: chr6-66417039-G-A.
Other names: c.-459C>T (NM_001142801.2, NM_001292009.2).
Identifiers: ClinVar variation 357760 (VCV000357760.46), dbSNP rs144371265, ClinGen allele CA10627420.
Genomic context (GRCh38, chr6:65,707,146, plus strand): 5'-TATCTAGTAATAGAAAAATAATTTCTAGGTGGAATCAAGTATAACTTACCCCAACCATTA[G>A]CCAAGGAGGCTTGCAACCCTAGGAGGCTTCTGATTACGGTTAATGTCTGGACATGCCTAG-3'